The following is an entry in ClinVar:

ClinVar aggregate classification (germline): Conflicting classifications of pathogenicity. Review status: criteria provided, conflicting classifications (1 of 4 stars). 3 submissions from 3 submitters: Uncertain significance (2); Likely benign (1). Last evaluated 2026-03-04.

Conditions:
Cardiovascular phenotype. Identifiers: MedGen CN230736.
Hereditary cancer-predisposing syndrome. Also called: Tumor predisposition; Hereditary neoplastic syndrome; Neoplastic Syndromes, Hereditary; Hereditary Cancer Syndrome. Identifiers: Orphanet 140162, MedGen C0027672, MeSH D009386, MONDO:0015356.
Neurofibromatosis, type 1 (NF1). Also called: Peripheral type neurofibromatosis; VON RECKLINGHAUSEN DISEASE; NEUROFIBROMATOSIS, TYPE I, SOMATIC; Neurofibromatosis, type I. Identifiers: Orphanet 636, MedGen C0027831, MONDO:0018975, OMIM 162200. Disease mechanism: loss of function.

Allele frequency attached by ClinVar (database versions not stated): gnomAD exomes below 0.00001.
gnomAD v4.1: 5 of 1,614,066 alleles (0.00031%); highest among the groups gnomAD compares: Non-Finnish European, 0.00042%; no homozygotes.

Submissions (4):

GeneDx
Classification: Uncertain significance. Last evaluated: 2026-03-04. Review status: criteria provided, single submitter. Criteria: GeneDx Variant Classification Process June 2021. Collection method: clinical testing. Allele origin: germline.
Comment: Not observed at significant frequency in large population cohorts (gnomAD); In silico analysis supports that this missense variant has a deleterious effect on protein structure/function; Has not been previously published as pathogenic or benign to our knowledge

Labcorp Genetics (formerly Invitae), Labcorp
Classification: Likely benign for Neurofibromatosis, type 1. Last evaluated: 2025-09-17. Review status: criteria provided, single submitter. Criteria: Invitae Variant Classification Sherloc (09022015). Collection method: clinical testing. Allele origin: germline.

Ambry Genetics
Classification: Uncertain significance for Cardiovascular phenotype; Hereditary cancer-predisposing syndrome. Last evaluated: 2023-02-09. Review status: criteria provided, single submitter. Criteria: Ambry Variant Classification Scheme 2023. Collection method: clinical testing. Allele origin: germline.
Comment: The p.R385H variant (also known as c.1154G>A), located in coding exon 10 of the NF1 gene, results from a G to A substitution at nucleotide position 1154. The arginine at codon 385 is replaced by histidine, an amino acid with highly similar properties. This amino acid position is highly conserved in available vertebrate species. In addition, this alteration is predicted to be deleterious by in silico analysis. Since supporting evidence is limited at this time, the clinical significance of this alteration remains unclear.

Dr. Peter K. Rogan Lab, Western University
No classification provided (evidence only). Condition: Uterine corpus endometrial carcinoma. Review status: no classification provided. Collection method: in vitro. Allele origin: not applicable. Functional consequence: retained intron. Not counted in ClinVar's aggregate classification.

NM_001042492.3(NF1):c.1154G>A (p.Arg385His)

Gene: NF1 (neurofibromin 1; plus strand). Cytogenetic location: 17q11.2.
Variant type: single nucleotide variant.
Coding change: c.1154G>A on transcript NM_001042492.3 (MANE Select); coding-DNA position 1154, G replaced by A.
Protein change: p.Arg385His; replaces arginine 385 with histidine.
Molecular consequence: missense variant.
Genome position (GRCh38, 1-based): chr17:31,201,128, G>A. VCF-style: chr17-31201128-G-A. GRCh37 (hg19) VCF-style: chr17-29528146-G-A.
Other names: c.1154G>A, p.Arg385His (NM_000267.4, NM_001128147.3); short protein forms R385H.
Identifiers: ClinVar variation 457517 (VCV000457517.10), dbSNP rs1350329837, ClinGen allele CA398997154.